The following is an entry in ClinVar:

ClinVar aggregate classification (germline): Uncertain significance (1 of 4 stars; one submission).

Conditions:
Muscular dystrophy-dystroglycanopathy (congenital with brain and eye anomalies), type A9. Also called: WALKER-WARBURG SYNDROME OR MUSCLE-EYE BRAIN DISEASE, DAG1-RELATED; Muscular dystrophy-dystroglycanopathy (congenital with brain and eye anomalies), type a, 9. Identifiers: Orphanet 370997, Orphanet 899, MedGen C4225291, MONDO:0014683, OMIM 616538.
Autosomal recessive limb-girdle muscular dystrophy type 2P. Also called: MUSCULAR DYSTROPHY-DYSTROGLYCANOPATHY, LIMB-GIRDLE, DAG1-RELATED; Limb-Girdle Muscular Dystrophy Type 9C; MUSCULAR DYSTROPHY, LIMB-GIRDLE, TYPE 2P. Identifiers: Orphanet 280333, MedGen C4511963, MONDO:0013440, OMIM 613818.

Allele frequency attached by ClinVar (database versions not stated): gnomAD exomes below 0.00001; TOPMed below 0.00001; gnomAD 0.00001.
gnomAD v4.1: 2 of 1,614,082 alleles (0.00012%); highest among the groups gnomAD compares: Admixed American, 0.0017%; no homozygotes.

Submission:

Labcorp Genetics (formerly Invitae), Labcorp
Classification: Uncertain significance for Autosomal recessive limb-girdle muscular dystrophy type 2P; Muscular dystrophy-dystroglycanopathy (congenital with brain and eye anomalies), type A9. Last evaluated: 2022-01-06. Review status: criteria provided, single submitter. Criteria: Invitae Variant Classification Sherloc (09022015). Collection method: clinical testing. Allele origin: germline.
Comment: This sequence change replaces glutamic acid, which is acidic and polar, with aspartic acid, which is acidic and polar, at codon 492 of the DAG1 protein (p.Glu492Asp). This variant is present in population databases (no rsID available, gnomAD 0.01%). This variant has not been reported in the literature in individuals affected with DAG1-related conditions. ClinVar contains an entry for this variant (Variation ID: 1042347). Algorithms developed to predict the effect of missense changes on protein structure and function are either unavailable or do not agree on the potential impact of this missense change (SIFT: "Tolerated"; PolyPhen-2: "Possibly Damaging"; Align-GVGD: "Class C0"). In summary, the available evidence is currently insufficient to determine the role of this variant in disease. Therefore, it has been classified as a Variant of Uncertain Significance.

NM_004393.6(DAG1):c.1476A>C (p.Glu492Asp)

Gene: DAG1 (dystroglycan 1; plus strand). Cytogenetic location: 3p21.31.
Variant type: single nucleotide variant.
Coding change: c.1476A>C on transcript NM_004393.6 (MANE Select); coding-DNA position 1476, A replaced by C.
Protein change: p.Glu492Asp; replaces glutamic acid 492 with aspartic acid.
Molecular consequence: missense variant.
Genome position (GRCh38, 1-based): chr3:49,531,987, A>C. VCF-style: chr3-49531987-A-C. GRCh37 (hg19) VCF-style: chr3-49569420-A-C.
Other names: c.1476A>C, p.Glu492Asp (NM_001165928.4, NM_001177634.3, NM_001177635.3 and 9 more transcripts); short protein forms E492D.
Identifiers: ClinVar variation 1042347 (VCV001042347.2), dbSNP rs1251608960, ClinGen allele CA352795454.